The following is an entry in ClinVar:

NM_020975.6(RET):c.3340A>C (p.Ser1114Arg)

Gene: RET (ret proto-oncogene; plus strand). Cytogenetic location: 10q11.21.
Variant type: single nucleotide variant.
Coding change: c.3340A>C on transcript NM_020975.6 (MANE Select); coding-DNA position 3340, A replaced by C.
Protein change: p.Ser1114Arg; replaces serine 1114 with arginine.
Molecular consequence: missense variant. On other transcripts: 3 prime UTR variant (18), intron variant (3).
Genome position (GRCh38, 1-based): chr10:43,128,264, A>C. VCF-style: chr10-43128264-A-C. GRCh37 (hg19) VCF-style: chr10-43623712-A-C.
Other names: c.*1510A>C (NM_001355216.2, NM_001406764.1, NM_001406765.1 and 15 more transcripts); c.3340A>C, p.Ser1114Arg (NM_001406743.1); c.3280A>C, p.Ser1094Arg (NM_001406759.1, NM_001406760.1); c.3211A>C, p.Ser1071Arg (NM_001406761.1, NM_001406762.1); c.3205A>C, p.Ser1069Arg (NM_001406763.1); c.3052A>C, p.Ser1018Arg (NM_001406766.1, NM_001406767.1); c.2944A>C, p.Ser982Arg (NM_001406769.1); c.2902A>C, p.Ser968Arg (NM_001406771.1); and 10 more; short protein forms S1018R, S1069R, S1071R, S1094R, S1114R, S611R, S631R, S719R.
Identifiers: ClinVar variation 4882545 (VCV004882545.2).
Genomic context (GRCh38, chr10:43,128,264, plus strand): 5'-AGTGTATATGCTAACTGGATGCTTTCACCCTCAGCGGCAAAATTAATGGACACGTTTGAT[A>C]GTTAACATTTCTTTGTGAAAGGTAATGGACTCACAAGGGGAAGAAACATGCTGAGAATGG-3'
Protein context (NP_066124.1, residues 1104-1114): SAAKLMDTFD[Ser1114Arg]

ClinVar aggregate classification (germline): Uncertain significance (1 of 4 stars; one submission).

Submission:

Dasa
Classification: Uncertain significance. Last evaluated: 2026-03-25. Review status: criteria provided, single submitter. Criteria: DASA Assertion Criteria. Collection method: clinical testing. Allele origin: germline.
Comment: NM_020975.6(RET):c.3340A>C (p.Ser1114Arg) is a missense variant that results in the substitution of serine with arginine. This variant is absent from population databases. The currently available literature and clinical evidence are not sufficient to establish a definitive association between this variant and the reported condition. Therefore, this variant is classified as a variant of uncertain significance.